The following is an entry in ClinVar:

NM_001385641.1(SAMD11):c.1080G>C (p.Glu360Asp)

Gene: SAMD11 (sterile alpha motif domain containing 11; plus strand). Cytogenetic location: 1p36.33.
Variant type: single nucleotide variant.
Coding change: c.1080G>C on transcript NM_001385641.1 (MANE Select); coding-DNA position 1080, G replaced by C.
Protein change: p.Glu360Asp; replaces glutamic acid 360 with aspartic acid.
Molecular consequence: missense variant.
Genome position (GRCh38, 1-based): chr1:939,297, G>C. VCF-style: chr1-939297-G-C. GRCh37 (hg19) VCF-style: chr1-874677-G-C.
Other names: c.1083G>C, p.Glu361Asp (NM_001385640.1); c.543G>C, p.Glu181Asp (NM_152486.4); short protein forms E361D, E181D, E360D.
Identifiers: ClinVar variation 1346205 (VCV001346205.6), dbSNP rs778357559, ClinGen allele CA337800221.

ClinVar aggregate classification (germline): Uncertain significance (1 of 4 stars; one submission).

Allele frequency attached by ClinVar (database versions not stated): gnomAD 0.00001.

Submission:

Labcorp Genetics (formerly Invitae), Labcorp
Classification: Uncertain significance. Last evaluated: 2022-06-27. Review status: criteria provided, single submitter. Criteria: Invitae Variant Classification Sherloc (09022015). Collection method: clinical testing. Allele origin: germline.
Comment: Algorithms developed to predict the effect of missense changes on protein structure and function output the following: SIFT: "Tolerated"; PolyPhen-2: "Benign"; Align-GVGD: "Class C0". The aspartic acid amino acid residue is found in multiple mammalian species, which suggests that this missense change does not adversely affect protein function. In summary, the available evidence is currently insufficient to determine the role of this variant in disease. Therefore, it has been classified as a Variant of Uncertain Significance. This variant has not been reported in the literature in individuals affected with SAMD11-related conditions. This sequence change replaces glutamic acid, which is acidic and polar, with aspartic acid, which is acidic and polar, at codon 181 of the SAMD11 protein (p.Glu181Asp). This variant is not present in population databases (gnomAD no frequency).